The following is an entry in ClinVar:

NM_001363711.2(DUOX2):c.3285_3286del (p.Ile1097fs)

Gene: DUOX2 (dual oxidase 2; minus strand). Cytogenetic location: 15q21.1.
Variant type: Deletion.
Coding change: c.3285_3286del on transcript NM_001363711.2 (MANE Select); coding-DNA positions 3285 to 3286, 2 bases deleted (TT; older notation c.3285_3286delTT).
Protein change: p.Ile1097fs; shifts the reading frame from isoleucine 1097.
Molecular consequence: frameshift variant.
Genome position (GRCh38, 1-based): chr15:45,099,791-45,099,792, AA deleted on the plus strand (TT on the coding strand, the reverse complement: DUOX2 is on the minus strand). VCF-style (leftmost placement, unchanged base first): chr15-45099790-TAA-T. GRCh37 (hg19) VCF-style: chr15-45391988-TAA-T.
Other names: c.3285_3286del (NM_014080.4); c.3285_3286del, p.Ile1097fs (NM_014080.5); short protein forms I1097fs.
Identifiers: ClinVar variation 3376554 (VCV003376554.2).

ClinVar aggregate classification (germline): Pathogenic. Review status: criteria provided, multiple submitters, no conflicts (2 of 4 stars). 2 submissions from 2 submitters: Pathogenic (2). Last evaluated 2024-10-08.

Conditions:
Thyroid dyshormonogenesis 6 (TDH6). Also called: THYROID HORMONOGENESIS, GENETIC DEFECT IN, 6; Genetic transient congenital hypothyroidism; HYPOTHYROIDISM, CONGENITAL, DUE TO DYSHORMONOGENESIS, 6. Identifiers: Orphanet 226316, Orphanet 95716, MedGen C1846632, MONDO:0011792, OMIM 607200.

Submissions (2):

Victorian Clinical Genetics Services, Murdoch Childrens Research Institute
Classification: Pathogenic for Thyroid dyshormonogenesis 6. Last evaluated: 2024-10-08. Review status: criteria provided, single submitter. Criteria: ACMG Guidelines, 2015. Collection method: clinical testing. Allele origin: germline. Inheritance: Autosomal recessive inheritance. Affected: yes.
Comment: Based on the classification scheme VCGS_Germline_v1.3.4, this variant is classified as Pathogenic. Following criteria are met: 0102 - Loss of function is a known mechanism of disease in this gene and is associated with thyroid dyshormonogenesis 6 (MIM#607200). An additional association (inflammatory bowel disease, MONDO:0005265, DUOX2-related) has been described but is not yet established (PanelApp). (I) 0106 - This gene is associated with autosomal recessive disease. A monoallelic association has been described, but oligogenic inheritance or a missed second hit cannot be excluded (PMID: 31044655). (I) 0201 - Variant is predicted to cause nonsense-mediated decay (NMD) and loss of protein (premature termination codon is located at least 54 nucleotides upstream of the final exon-exon junction). (SP) 0251 - This variant is heterozygous. (I) 0301 - Variant is absent from gnomAD (both v2 and v3). (SP) 0701 - Other NMD-predicted variants comparable to the one identified in this case have very strong previous evidence for pathogenicity (DECIPHER). (SP) 0803 - This variant has limited previous evidence of pathogenicity in an unrelated individual. It has been reported in a single compound heterozygous individual affected with congenital hypothyroidism (PMID: 37252044). (SP) 1208 - Inheritance information for this variant is not currently available in this individual. (I) Legend: (SP) - Supporting pathogenic, (I) - Information, (SB) - Supporting benign

Fulgent Genetics
Classification: Pathogenic for Thyroid dyshormonogenesis 6. Last evaluated: 2024-06-05. Review status: criteria provided, single submitter. Criteria: ACMG Guidelines, 2015. Collection method: clinical testing. Allele origin: germline.

Literature cited by the submitters: PubMed 31044655 (cited by Victorian Clinical Genetics Services, Murdoch Childrens Research Institute); PubMed 37252044 (cited by Victorian Clinical Genetics Services, Murdoch Childrens Research Institute).